The following is an entry in ClinVar:

ClinVar aggregate classification (germline): Uncertain significance (1 of 4 stars; one submission).

Submission:

Medical Genetic Center, Changzhi Maternal and Child Health Care Hospital
Classification: Uncertain significance. Last evaluated: 2025-12-10. Review status: criteria provided, single submitter. Criteria: ACMG/ClinGen CNV Guidelines, 2019. Collection method: clinical testing. Allele origin: unknown.
Comment: 2q21.1 recurrent region (includes ARHGEF4, GPR148) (HI = 1)

GRCh38/hg38 2q21.1(chr2:130704337-131271332)x1

Genes: AMER3 (APC membrane recruitment protein 3; plus strand), ARHGEF4 (Rho guanine nucleotide exchange factor 4; plus strand), ARHGEF4-AS1 (ARHGEF4 antisense RNA 1; minus strand), FAM168B (family with sequence similarity 168 member B; minus strand), GPR148 (G protein-coupled receptor 148; plus strand) and 10 more. Cytogenetic location: 2q21.1.
Variant type: copy number loss.
Change: copy number 1 (one copy instead of two) of chr2:130,704,337-131,271,332 (567.0 kb, GRCh38 coordinates, 1-based), cytogenetic band 2q21.1.
Identifiers: ClinVar variation 4796279 (VCV004796279.1).